The following is an entry in ClinVar:

ClinVar aggregate classification (germline): Uncertain significance. Review status: criteria provided, multiple submitters, no conflicts (2 of 4 stars). 2 submissions from 2 submitters: Uncertain significance (2). Last evaluated 2025-06-11.

Conditions:
Long QT syndrome (LQTS). Identifiers: MedGen C0023976, MeSH D008133, MONDO:0002442. Disease mechanism: loss of function. Inheritance: Various modes of inheritance.

Allele frequency attached by ClinVar (database versions not stated): gnomAD exomes 0.00001 and below 0.00001; TOPMed below 0.00001.
gnomAD v4.1: 5 of 1,591,784 alleles (0.00031%); highest among the groups gnomAD compares: Non-Finnish European, 0.00043%; no homozygotes.

Submissions (3):

Labcorp Genetics (formerly Invitae), Labcorp
Classification: Uncertain significance for Long QT syndrome. Last evaluated: 2025-06-11. Review status: criteria provided, single submitter. Criteria: Invitae Variant Classification Sherloc (09022015). Collection method: clinical testing. Allele origin: germline.
Comment: This sequence change replaces methionine, which is neutral and non-polar, with valine, which is neutral and non-polar, at codon 30 of the CACNA1C protein (p.Met30Val). This variant is present in population databases (no rsID available, gnomAD 0.001%). This variant has not been reported in the literature in individuals affected with CACNA1C-related conditions. ClinVar contains an entry for this variant (Variation ID: 948900). Invitae Evidence Modeling of protein sequence and biophysical properties (such as structural, functional, and spatial information, amino acid conservation, physicochemical variation, residue mobility, and thermodynamic stability) indicates that this missense variant is not expected to disrupt CACNA1C protein function with a negative predictive value of 95%. In summary, the available evidence is currently insufficient to determine the role of this variant in disease. Therefore, it has been classified as a Variant of Uncertain Significance.

GeneDx
Classification: Uncertain significance. Last evaluated: 2024-09-13. Review status: criteria provided, single submitter. Criteria: GeneDx Variant Classification Process June 2021. Collection method: clinical testing. Allele origin: germline. Affected: yes.
Comment: Not observed at significant frequency in large population cohorts (gnomAD); In silico analysis supports that this missense variant has a deleterious effect on protein structure/function; Has not been previously published as pathogenic or benign to our knowledge

Dr. Peter K. Rogan Lab, Western University
No classification provided (evidence only). Condition: Uterine corpus endometrial carcinoma. Review status: no classification provided. Collection method: in vitro. Allele origin: not applicable. Functional consequence: retained intron. Not counted in ClinVar's aggregate classification.

NM_000719.7(CACNA1C):c.88A>G (p.Met30Val)

Gene: CACNA1C (calcium voltage-gated channel subunit alpha1 C; plus strand). Cytogenetic location: 12p13.33.
Variant type: single nucleotide variant.
Coding change: c.88A>G on transcript NM_000719.7 (MANE Select); coding-DNA position 88, A replaced by G.
Protein change: p.Met30Val; replaces methionine 30 with valine.
Molecular consequence: missense variant.
Genome position (GRCh38, 1-based): chr12:2,115,262, A>G. VCF-style: chr12-2115262-A-G. GRCh37 (hg19) VCF-style: chr12-2224428-A-G.
Other names: c.88A>G, p.Met30Val (NM_001129839.2, NM_001129840.2, NM_001129841.2 and 19 more transcripts); short protein forms M30V.
Identifiers: ClinVar variation 948900 (VCV000948900.12), dbSNP rs1367916633, ClinGen allele CA383652909.